The following is an entry in ClinVar:

ClinVar aggregate classification (germline): Uncertain significance (1 of 4 stars; one submission).

Conditions:
Inflammatory skin and bowel disease, neonatal, 1. Identifiers: Orphanet 294023, MedGen C3280501, MONDO:0013693, OMIM 614328.

Submission:

Labcorp Genetics (formerly Invitae), Labcorp
Classification: Uncertain significance for Inflammatory skin and bowel disease, neonatal, 1. Last evaluated: 2022-05-12. Review status: criteria provided, single submitter. Criteria: Invitae Variant Classification Sherloc (09022015). Collection method: clinical testing. Allele origin: germline.
Comment: In summary, the available evidence is currently insufficient to determine the role of this variant in disease. Therefore, it has been classified as a Variant of Uncertain Significance. Algorithms developed to predict the effect of sequence changes on RNA splicing suggest that this variant may disrupt the consensus splice site. This variant has not been reported in the literature in individuals affected with ADAM17-related conditions. This variant is not present in population databases (gnomAD no frequency). This sequence change falls in intron 4 of the ADAM17 gene. It does not directly change the encoded amino acid sequence of the ADAM17 protein.

NM_003183.6(ADAM17):c.451-5T>G

Gene: ADAM17 (ADAM metallopeptidase domain 17; minus strand). Cytogenetic location: 2p25.1.
Variant type: single nucleotide variant.
Coding change: c.451-5T>G on transcript NM_003183.6 (MANE Select); 5 bases into the intron before coding-DNA position 451, T replaced by G.
Molecular consequence: intron variant.
Genome position (GRCh38, 1-based): chr2:9,527,959, A>C on the plus strand (T>G on the coding strand, the complement: ADAM17 is on the minus strand). VCF-style: chr2-9527959-A-C. GRCh37 (hg19) VCF-style: chr2-9668088-A-C.
Other names: c.-230-5T>G (NM_001382777.1); c.-472-5T>G (NM_001382778.1).
Identifiers: ClinVar variation 1993306 (VCV001993306.4), dbSNP rs2527362372, ClinGen allele CA2580068148.
Genomic context (GRCh38, chr2:9,527,959, plus strand): 5'-GATTTATAAACTAACATTCTTTTGTCTTTGGTATCATTAACAAATCTCCAAAGTGGCTAA[A>C]ACAGAAAATATATACGACTGAGATGGAAAACAATAATAATTCCTAAACACTAAATTCTTC-3'